The following is an entry in ClinVar:

ClinVar aggregate classification (germline): Uncertain significance (1 of 4 stars; one submission).

Conditions:
Cystic fibrosis (CF). Also called: MUCOVISCIDOSIS. Identifiers: Orphanet 586, MedGen C0010674, MONDO:0009061, OMIM 219700. Disease mechanism: loss of function.

gnomAD v4.1: 1 of 1,614,058 alleles (0.000062%); highest among the groups gnomAD compares: Admixed American, 0.0017%; no homozygotes.

Submission:

Ambry Genetics
Classification: Uncertain significance for Cystic fibrosis. Last evaluated: 2021-08-15. Review status: criteria provided, single submitter. Criteria: Ambry Variant Classification Scheme 2023. Collection method: clinical testing. Allele origin: germline.
Comment: The p.L948F variant (also known as c.2844A>C), located in coding exon 17 of the CFTR gene, results from an A to C substitution at nucleotide position 2844. The leucine at codon 948 is replaced by phenylalanine, an amino acid with highly similar properties. This amino acid position is conserved. In addition, this alteration is predicted to be deleterious by in silico analysis. Since supporting evidence is limited at this time, the clinical significance of this alteration remains unclear.

NM_000492.4(CFTR):c.2844A>C (p.Leu948Phe)

Gene: CFTR (CF transmembrane conductance regulator; plus strand). Cytogenetic location: 7q31.2.
Variant type: single nucleotide variant.
Coding change: c.2844A>C on transcript NM_000492.4 (MANE Select); coding-DNA position 2844, A replaced by C.
Protein change: p.Leu948Phe; replaces leucine 948 with phenylalanine.
Molecular consequence: missense variant.
Genome position (GRCh38, 1-based): chr7:117,603,718, A>C. VCF-style: chr7-117603718-A-C. GRCh37 (hg19) VCF-style: chr7-117243772-A-C.
Other names: short protein forms L948F.
Identifiers: ClinVar variation 1796748 (VCV001796748.2), dbSNP rs1402844924, ClinGen allele CA368987213.